The following is an entry in ClinVar:

ClinVar aggregate classification (germline): Likely pathogenic (1 of 4 stars; one submission).

Submission:

GeneDx
Classification: Likely pathogenic. Last evaluated: 2016-08-25. Review status: criteria provided, single submitter. Criteria: GeneDx Variant Classification (06012015). Collection method: clinical testing. Allele origin: germline. Affected: yes.
Comment: This variant is denoted ATM c.1487_1495delGTTCTGAGCinsTTTCTGAGT at the cDNA level, p.Ser496_Gln499delinsIleSerGluTer (S496_Q499delinsISEX) at the protein level. The normal sequence, with the bases that are deleted in braces and inserted in brackets, is ATAA[GTTCTGAGC][TTTCTGAGT]AAAT. This deletion and insertion of 9 nucleotide residues creates a nonsense variant, resulting in a premature stop codon. Although this variant has not been previously reported to our knowledge, it is predicted to cause loss of normal protein function through either protein truncation or nonsense-mediated mRNA decay, and is considered likely pathogenic.

NM_000051.4(ATM):c.1487_1495delinsTTTCTGAGT (p.Ser496_Gln499delinsIleSerGluTer)

Gene: ATM (ATM serine/threonine kinase; plus strand). Cytogenetic location: 11q22.3.
Variant type: Indel.
Coding change: c.1487_1495delinsTTTCTGAGT on transcript NM_000051.4 (MANE Select); coding-DNA positions 1487 to 1495, GTTCTGAGC replaced by TTTCTGAGT.
Protein change: p.Ser496_Gln499delinsIleSerGluTer.
Molecular consequence: nonsense.
Genome position (GRCh38, 1-based): chr11:108,250,952-108,250,960, GTTCTGAGC replaced by TTTCTGAGT. VCF-style: chr11-108250952-GTTCTGAGC-TTTCTGAGT. GRCh37 (hg19) VCF-style: chr11-108121679-GTTCTGAGC-TTTCTGAGT.
Other names: c.1487_1495delGTTCTGAGCinsTTTCTGAGT (NM_000051.3); c.1487_1495delinsTTTCTGAGT, p.Ser496_Gln499delinsIleSerGluTer (NM_001351834.2).
Identifiers: ClinVar variation 422099 (VCV000422099.2), dbSNP rs1064795556, ClinGen allele CA16619118.